The following is an entry in ClinVar:

ClinVar aggregate classification (germline): Uncertain significance. Review status: criteria provided, multiple submitters, no conflicts (2 of 4 stars). 2 submissions from 2 submitters: Uncertain significance (2). Last evaluated 2023-11-20.

Conditions:
Hereditary cancer-predisposing syndrome. Also called: Neoplastic Syndromes, Hereditary; Hereditary Cancer Syndrome; Tumor predisposition; Hereditary neoplastic syndrome. Identifiers: Orphanet 140162, MedGen C0027672, MeSH D009386, MONDO:0015356.
DICER1-related tumor predisposition. Also called: DICER1-related pleuropulmonary blastoma cancer predisposition syndrome; DICER1 syndrome. Identifiers: Orphanet 284343, MedGen C3839822, MONDO:0100216.

Submissions (2):

Labcorp Genetics (formerly Invitae), Labcorp
Classification: Uncertain significance for DICER1-related tumor predisposition. Last evaluated: 2023-11-20. Review status: criteria provided, single submitter. Criteria: Invitae Variant Classification Sherloc (09022015). Collection method: clinical testing. Allele origin: germline.
Comment: This sequence change replaces isoleucine, which is neutral and non-polar, with leucine, which is neutral and non-polar, at codon 909 of the DICER1 protein (p.Ile909Leu). This variant is not present in population databases (gnomAD no frequency). This variant has not been reported in the literature in individuals affected with DICER1-related conditions. ClinVar contains an entry for this variant (Variation ID: 1692085). Advanced modeling of protein sequence and biophysical properties (such as structural, functional, and spatial information, amino acid conservation, physicochemical variation, residue mobility, and thermodynamic stability) performed at Invitae indicates that this missense variant is not expected to disrupt DICER1 protein function with a negative predictive value of 80%. In summary, the available evidence is currently insufficient to determine the role of this variant in disease. Therefore, it has been classified as a Variant of Uncertain Significance.

Sema4
Classification: Uncertain significance for Hereditary cancer-predisposing syndrome. Last evaluated: 2021-08-03. Review status: criteria provided, single submitter. Criteria: Sema4 Curation Guidelines. Collection method: curation. Allele origin: germline.
Comment: The DICER1 c.2725A>C (p.I909L) variant has not been reported in literature to our knowledge. This variant was not observed in the large and broad cohorts of the Genome Aggregation Database (PMID: 32461654). This variant has not been reported in ClinVar. Functional studies have not been performed, and in silico predictions of the variant's effect on protein function are inconclusive. The overall evidence is insufficient to meet ACMG/AMP criteria for classifying it as benign or pathogenic. In summary, the clinical significance of this variant is currently uncertain.

NM_177438.3(DICER1):c.2725A>C (p.Ile909Leu)

Gene: DICER1 (dicer 1, ribonuclease III; minus strand). Cytogenetic location: 14q32.13.
Variant type: single nucleotide variant.
Coding change: c.2725A>C on transcript NM_177438.3 (MANE Select); coding-DNA position 2725, A replaced by C.
Protein change: p.Ile909Leu; replaces isoleucine 909 with leucine.
Molecular consequence: missense variant. On other transcripts: non-coding transcript variant (6).
Genome position (GRCh38, 1-based): chr14:95,107,687, T>G on the plus strand (A>C on the coding strand, the complement: DICER1 is on the minus strand). VCF-style: chr14-95107687-T-G. GRCh37 (hg19) VCF-style: chr14-95574024-T-G.
Other names: c.2725A>C, p.Ile909Leu (NM_001195573.1, NM_001271282.3, NM_001291628.2 and 12 more transcripts); c.2443A>C, p.Ile815Leu (NM_001395686.1); c.2320A>C, p.Ile774Leu (NM_001395687.1, NM_001395688.1, NM_001395689.1 and 2 more transcripts); c.2158A>C, p.Ile720Leu (NM_001395691.1); c.1042A>C, p.Ile348Leu (NM_001395697.1); short protein forms I348L, I720L, I774L, I815L, I909L.
Identifiers: ClinVar variation 1692085 (VCV001692085.4), dbSNP rs1167073557, ClinGen allele CA390879578.
Genomic context (GRCh38, chr14:95,107,687, plus strand): 5'-CTTGGTAATCTTCTAATTTAAAAACAAAGGGTGTTTCTTTTGTATACTTTGTACTGGGAA[T>G]GCCTATGCGAGCTTCAGACTTCTCAATATCTTCCATGAATTTAAAGTCAATATCCAAAGT-3'
Protein context (NP_803187.1, residues 899-919): DIEKSEARIG[Ile909Leu]PSTKYTKETP